The following is an entry in ClinVar:

NM_001382430.1(AKT1):c.632C>T (p.Thr211Ile)

Gene: AKT1 (AKT serine/threonine kinase 1; minus strand). Cytogenetic location: 14q32.33.
Variant type: single nucleotide variant.
Coding change: c.632C>T on transcript NM_001382430.1 (MANE Select); coding-DNA position 632, C replaced by T.
Protein change: p.Thr211Ile; replaces threonine 211 with isoleucine.
Molecular consequence: missense variant.
Genome position (GRCh38, 1-based): chr14:104,774,939, G>A on the plus strand (C>T on the coding strand, the complement: AKT1 is on the minus strand). VCF-style: chr14-104774939-G-A. GRCh37 (hg19) VCF-style: chr14-105241276-G-A.
Other names: c.632C>T, p.Thr211Ile (NM_001014431.2, NM_001014432.2, NM_001382431.1 and 3 more transcripts); short protein forms T211I.
Identifiers: ClinVar variation 5020832 (VCV005020832.1).

ClinVar aggregate classification (germline): Uncertain significance (1 of 4 stars; one submission).

Submission:

Dasa
Classification: Uncertain significance. Last evaluated: 2026-08-03. Review status: criteria provided, single submitter. Criteria: DASA Assertion Criteria. Collection method: clinical testing. Allele origin: germline.
Comment: NM_001382430.1(AKT1):c.632C>T (p.Thr211Ile) is a missense variant that results in the substitution of threonine with isoleucine. This variant is rare in population databases. Computational prediction algorithms are consistent with a deleterious effect. The currently available literature and clinical evidence are not sufficient to establish a definitive association between this variant and the reported condition. Therefore, this variant is classified as a variant of uncertain significance.